The following is an entry in ClinVar:

NM_005862.3(STAG1):c.3015A>C (p.Glu1005Asp)

Gene: STAG1 (STAG1 cohesin complex component; minus strand). Cytogenetic location: 3q22.3.
Variant type: single nucleotide variant.
Coding change: c.3015A>C on transcript NM_005862.3 (MANE Select); coding-DNA position 3015, A replaced by C.
Protein change: p.Glu1005Asp; replaces glutamic acid 1005 with aspartic acid.
Molecular consequence: missense variant.
Genome position (GRCh38, 1-based): chr3:136,357,770, T>G on the plus strand (A>C on the coding strand, the complement: STAG1 is on the minus strand). VCF-style: chr3-136357770-T-G. GRCh37 (hg19) VCF-style: chr3-136076612-T-G.
Other names: short protein forms E1005D.
Identifiers: ClinVar variation 5002406 (VCV005002406.1).

ClinVar aggregate classification (germline): Uncertain significance (1 of 4 stars; one submission).

Conditions:
STAG1-related disorder. Also called: STAG1-related disorders.

Submission:

PreventionGenetics, part of Exact Sciences
Classification: Uncertain significance for STAG1-related condition. Last evaluated: 2025-08-03. Review status: criteria provided, single submitter. Criteria: ACMG Guidelines, 2015. Collection method: clinical testing. Allele origin: germline.
Comment: The STAG1 c.3015A>C variant is predicted to result in the amino acid substitution p.Glu1005Asp. To our knowledge, this variant has not been reported in the literature or in a large population database (gnomAD), indicating this variant is rare. At this time, the clinical significance of this variant is uncertain due to the absence of conclusive functional and genetic evidence.